The following is an entry in ClinVar:

ClinVar aggregate classification (germline): Conflicting classifications of pathogenicity. Review status: criteria provided, conflicting classifications (1 of 4 stars). 2 submissions from 2 submitters: Likely pathogenic (1); Uncertain significance (1). Last evaluated 2025-09-27.

Conditions:
Hypertriglyceridemia 2. Identifiers: MedGen C5543398, MONDO:0859149, OMIM 619324.

Submissions (2):

Labcorp Genetics (formerly Invitae), Labcorp
Classification: Uncertain significance. Last evaluated: 2025-09-27. Review status: criteria provided, single submitter. Criteria: Invitae Variant Classification Sherloc (09022015). Collection method: clinical testing. Allele origin: germline.
Comment: This sequence change creates a premature translational stop signal (p.Ile247Asnfs*128) in the CREB3L3 gene. While this is not anticipated to result in nonsense mediated decay, it is expected to disrupt the last 215 amino acid(s) of the CREB3L3 protein. This variant is present in population databases (no rsID available, gnomAD 0.01%). This variant has not been reported in the literature in individuals affected with CREB3L3-related conditions. ClinVar contains an entry for this variant (Variation ID: 1507133). Experimental studies and prediction algorithms are not available or were not evaluated, and the functional significance of this variant is currently unknown. In summary, the available evidence is currently insufficient to determine the role of this variant in disease. Therefore, it has been classified as a Variant of Uncertain Significance.

Department of Human Genetics, Hannover Medical School
Classification: Likely pathogenic for Hypertriglyceridemia 2. Last evaluated: 2024-08-21. Review status: criteria provided, single submitter. Criteria: ACMG Guidelines, 2015. Collection method: clinical testing. Allele origin: germline. Inheritance: Autosomal dominant inheritance. Affected: yes.

NM_032607.3(CREB3L3):c.739dup (p.Ile247fs)

Gene: CREB3L3 (cAMP responsive element binding protein 3 like 3; plus strand). Cytogenetic location: 19p13.3.
Variant type: Duplication.
Coding change: c.739dup on transcript NM_032607.3 (MANE Select); coding-DNA position 739, one base duplicated (A; older notation c.739dupA).
Protein change: p.Ile247fs; shifts the reading frame from isoleucine 247.
Molecular consequence: frameshift variant. On other transcripts: intron variant (1).
Genome position (GRCh38, 1-based): chr19:4,168,375, A duplicated; the last of 7 consecutive A bases (chr19:4,168,369-4,168,375); duplicating any one gives the same sequence. VCF-style (leftmost placement, unchanged base first): chr19-4168368-G-GA. GRCh37 (hg19) VCF-style: chr19-4168365-G-GA.
Other names: c.736dup, p.Ile246fs (NM_001271995.2); c.733dup, p.Ile245fs (NM_001271996.2); c.715-1765dup (NM_001271997.2); short protein forms I245fs, I246fs, I247fs.
Identifiers: ClinVar variation 1507133 (VCV001507133.7), dbSNP rs1167386243, ClinGen allele CA631545028.